The following is an entry in ClinVar:

NM_000458.4(HNF1B):c.758A>C (p.Gln253Pro)

Genes: HNF1B (HNF1 homeobox B; minus strand), LOC126862549 (BRD4-independent group 4 enhancer GRCh37_chr17:36093401-36094600; plus strand). Cytogenetic location: 17q12.
Variant type: single nucleotide variant.
Coding change: c.758A>C on transcript NM_000458.4 (MANE Select); coding-DNA position 758, A replaced by C.
Protein change: p.Gln253Pro; replaces glutamine 253 with proline.
Molecular consequence: missense variant.
Genome position (GRCh38, 1-based): chr17:37,733,608, T>G on the plus strand (A>C on the coding strand, the complement: HNF1B is on the minus strand). VCF-style: chr17-37733608-T-G. GRCh37 (hg19) VCF-style: chr17-36093601-T-G.
Other names: c.680A>C, p.Gln227Pro (NM_001165923.4, NM_001304286.2); short protein forms Q253P, Q227P.
Identifiers: ClinVar variation 635652 (VCV000635652.1), dbSNP rs2511808673, ClinGen allele CA398748195.
Genomic context (GRCh38, chr17:37,733,608, plus strand): 5'-TGGTGTTACCTGTTGCATTCCTCCACTAAGGCCTCTCTCTCTTCCTTGCTGGGGTTCTTT[T>G]GCCGATCGTAGGCCTGGTACAAGATTTGCTGGGACGCGGGCCCCCATTTGAACCGGTTGC-3'
Protein context (NP_000449.1, residues 243-263): QQILYQAYDR[Gln253Pro]KNPSKEEREA

ClinVar aggregate classification (germline): Likely pathogenic (1 of 4 stars; one submission).

Conditions:
Renal cysts and diabetes syndrome (RCAD). Also called: Familial hypoplastic, glomerulocystic kidney; MATURITY-ONSET DIABETES OF THE YOUNG, TYPE 5. Identifiers: Orphanet 93111, MedGen C0431693, MONDO:0007669, OMIM 137920.

Submission:

Institute of Human Genetics, FAU Erlangen, Friedrich-Alexander-Universität Erlangen-Nürnberg
Classification: Likely pathogenic for Renal cysts and diabetes syndrome. Last evaluated: 2019-07-06. Review status: criteria provided, single submitter. Criteria: ACMG Guidelines, 2015. Collection method: literature only. Allele origin: germline. Affected: yes.
Comment: This variant and it's classification has been reported by Vasileiou et al. 2019; DOI:10.1101/576918. The variants has previously been reported in PMID:17267738; PMID:25700310; PMID:20378641; PMID:17267738; PMID:25536396 as "c.758A->C,p.Gln253Pro; c.758A>C; c.758A>C" with clinical significance Pathogenic. It has been re-classified using InterVar and manual curation as Likely pathogenic based on PM1 PM2 PP3 PP5.

Literature cited by the submitters: PubMed 17267738; PubMed 25700310; PubMed 20378641; PubMed 25536396; DOI 10.1101/576918.